The following is an entry in ClinVar:

ClinVar aggregate classification (germline): Uncertain significance (1 of 4 stars; one submission).

Conditions:
Multiple mitochondrial dysfunctions syndrome 3 (MMDS3). Identifiers: Orphanet 363424, MedGen C3809165, MONDO:0014132, OMIM 615330.
Hereditary spastic paraplegia 74. Also called: Spastic paraplegia 74, autosomal recessive. Identifiers: Orphanet 468661, MedGen C5568837, MONDO:0014644, OMIM 616451.

Allele frequency attached by ClinVar (database versions not stated): gnomAD exomes below 0.00001.

Submission:

Labcorp Genetics (formerly Invitae), Labcorp
Classification: Uncertain significance for Multiple mitochondrial dysfunctions syndrome 3; Hereditary spastic paraplegia 74. Last evaluated: 2021-12-15. Review status: criteria provided, single submitter. Criteria: Invitae Variant Classification Sherloc (09022015). Collection method: clinical testing. Allele origin: germline.
Comment: In summary, the available evidence is currently insufficient to determine the role of this variant in disease. Therefore, it has been classified as a Variant of Uncertain Significance. Algorithms developed to predict the effect of sequence changes on RNA splicing suggest that this variant may create or strengthen a splice site. Algorithms developed to predict the effect of missense changes on protein structure and function (SIFT, PolyPhen-2, Align-GVGD) all suggest that this variant is likely to be tolerated. This variant has not been reported in the literature in individuals affected with IBA57-related conditions. This variant is not present in population databases (gnomAD no frequency). This sequence change replaces alanine, which is neutral and non-polar, with serine, which is neutral and polar, at codon 179 of the IBA57 protein (p.Ala179Ser).

NM_001010867.4(IBA57):c.535G>T (p.Ala179Ser)

Gene: IBA57 (iron-sulfur cluster assembly factor IBA57; plus strand). Cytogenetic location: 1q42.13.
Variant type: single nucleotide variant.
Coding change: c.535G>T on transcript NM_001010867.4 (MANE Select); coding-DNA position 535, G replaced by T.
Protein change: p.Ala179Ser; replaces alanine 179 with serine.
Molecular consequence: missense variant. On other transcripts: 5 prime UTR variant (1).
Genome position (GRCh38, 1-based): chr1:228,174,885, G>T. VCF-style: chr1-228174885-G-T. GRCh37 (hg19) VCF-style: chr1-228362586-G-T.
Other names: c.-45G>T (NM_001310327.2); short protein forms A179S.
Identifiers: ClinVar variation 2414114 (VCV002414114.6), dbSNP rs2527918903, ClinGen allele CA345113310.